The following is an entry in ClinVar:

NM_000018.4(ACADVL):c.897G>T (p.Lys299Asn)

Gene: ACADVL (acyl-CoA dehydrogenase very long chain; plus strand). Cytogenetic location: 17p13.1.
Variant type: single nucleotide variant.
Coding change: c.897G>T on transcript NM_000018.4 (MANE Select); coding-DNA position 897, G replaced by T.
Protein change: p.Lys299Asn; replaces lysine 299 with asparagine.
Molecular consequence: missense variant.
Genome position (GRCh38, 1-based): chr17:7,222,685, G>T. VCF-style: chr17-7222685-G-T. GRCh37 (hg19) VCF-style: chr17-7126004-G-T.
Other names: c.831G>T, p.Lys277Asn (NM_001033859.3); c.966G>T, p.Lys322Asn (NM_001270447.2); c.669G>T, p.Lys223Asn (NM_001270448.2); short protein forms K223N, K277N, K299N, K322N.
Identifiers: ClinVar variation 3339738 (VCV003339738.1).

ClinVar aggregate classification (germline): Uncertain significance (1 of 4 stars; one submission).

Submission:

Women's Health and Genetics/Laboratory Corporation of America, LabCorp
Classification: Uncertain significance. Last evaluated: 2024-06-05. Review status: criteria provided, single submitter. Criteria: LabCorp Variant Classification Summary - May 2015. Collection method: clinical testing. Allele origin: germline.
Comment: Variant summary: ACADVL c.897G>T (p.Lys299Asn; also reported as K259N in the literature) results in a non-conservative amino acid change located in the acyl-CoA oxidase/dehydrogenase, middle domain (IPR006091) of the encoded protein sequence. Five of five in-silico tools predict a damaging effect of the variant on protein function. The variant was absent in 250866 control chromosomes (gnomAD). The available data on variant occurrences in the general population are insufficient to allow any conclusion about variant significance. c.897G>T has been reported in the literature in at least an individual affected with Very Long Chain Acyl-CoA Dehydrogenase Deficiency (example: Gobin-Limballe_2007, Andresen_1999). These report(s) do not provide unequivocal conclusions about association of the variant with Very Long Chain Acyl-CoA Dehydrogenase Deficiency. The following publications have been ascertained in the context of this evaluation (PMID: 9973285, 17999356). No submitters have cited clinical-significance assessments for this variant to ClinVar. Based on the evidence outlined above, the variant was classified as uncertain significance.

Literature cited by the submitters: PubMed 17999356; PubMed 9973285.